The following is an entry in ClinVar:

ClinVar aggregate classification (germline): Uncertain significance. Review status: criteria provided, multiple submitters, no conflicts (2 of 4 stars). 2 submissions from 2 submitters: Uncertain significance (2). Last evaluated 2023-12-30.

Conditions:
Inborn genetic diseases. Identifiers: MedGen C0950123, MeSH D030342.

Allele frequency attached by ClinVar (database versions not stated): TOPMed below 0.00001; ExAC 0.00001; gnomAD 0.00001; gnomAD exomes 0.00001.
gnomAD v4.1: 13 of 1,613,718 alleles (0.00081%); highest among the groups gnomAD compares: Admixed American, 0.0017%; no homozygotes.

Submissions (2):

Ambry Genetics
Classification: Uncertain significance for Inborn genetic diseases. Last evaluated: 2023-12-30. Review status: criteria provided, single submitter. Criteria: Ambry Variant Classification Scheme 2023. Collection method: clinical testing. Allele origin: germline.

Labcorp Genetics (formerly Invitae), Labcorp
Classification: Uncertain significance. Last evaluated: 2022-02-28. Review status: criteria provided, single submitter. Criteria: Invitae Variant Classification Sherloc (09022015). Collection method: clinical testing. Allele origin: germline.
Comment: This sequence change replaces glycine, which is neutral and non-polar, with aspartic acid, which is acidic and polar, at codon 181 of the TYMP protein (p.Gly181Asp). This variant is present in population databases (rs769658345, gnomAD 0.003%). This variant has not been reported in the literature in individuals affected with TYMP-related conditions. Advanced modeling of protein sequence and biophysical properties (such as structural, functional, and spatial information, amino acid conservation, physicochemical variation, residue mobility, and thermodynamic stability) performed at Invitae indicates that this missense variant is expected to disrupt TYMP protein function. In summary, the available evidence is currently insufficient to determine the role of this variant in disease. Therefore, it has been classified as a Variant of Uncertain Significance.

NM_001953.5(TYMP):c.542G>A (p.Gly181Asp)

Gene: TYMP (thymidine phosphorylase; minus strand). Cytogenetic location: 22q13.33.
Variant type: single nucleotide variant.
Coding change: c.542G>A on transcript NM_001953.5 (MANE Select); coding-DNA position 542, G replaced by A.
Protein change: p.Gly181Asp; replaces glycine 181 with aspartic acid.
Molecular consequence: missense variant.
Genome position (GRCh38, 1-based): chr22:50,527,692, C>T on the plus strand (G>A on the coding strand, the complement: TYMP is on the minus strand). VCF-style: chr22-50527692-C-T. GRCh37 (hg19) VCF-style: chr22-50966121-C-T.
Other names: c.542G>A, p.Gly181Asp (NM_001113755.3, NM_001113756.3, NM_001257988.1 and 1 more transcripts); c.542G>A (NM_001953.3); short protein forms G181D.
Identifiers: ClinVar variation 2148331 (VCV002148331.2), dbSNP rs769658345, ClinGen allele CA10321701.